The following is an entry in ClinVar:

ClinVar aggregate classification (germline): Uncertain significance. Review status: criteria provided, single submitter (1 of 4 stars). 2 submissions from 2 submitters: Uncertain significance (1). 1 of the submissions does not count toward it. Last evaluated 2022-04-17.

Conditions:
Usher syndrome type 2A. Also called: RETINAL DISEASE IN USHER SYNDROME TYPE IIA, MODIFIER OF; USHER SYNDROME, TYPE IIA. Identifiers: Orphanet 231178, Orphanet 886, MedGen C1848634, MONDO:0010169, OMIM 276901.

Allele frequency attached by ClinVar (database versions not stated): TOPMed 0.00002.
gnomAD v4.1: 6 of 1,613,806 alleles (0.00037%); highest among the groups gnomAD compares: Non-Finnish European, 0.00051%; no homozygotes.

Submissions (2):

Labcorp Genetics (formerly Invitae), Labcorp
Classification: Uncertain significance. Last evaluated: 2022-04-17. Review status: criteria provided, single submitter. Criteria: Invitae Variant Classification Sherloc (09022015). Collection method: clinical testing. Allele origin: germline.
Comment: This sequence change replaces proline, which is neutral and non-polar, with arginine, which is basic and polar, at codon 4529 of the USH2A protein (p.Pro4529Arg). This variant is present in population databases (rs754560573, gnomAD 0.0009%). This variant has not been reported in the literature in individuals affected with USH2A-related conditions. ClinVar contains an entry for this variant (Variation ID: 936812). Algorithms developed to predict the effect of missense changes on protein structure and function (SIFT, PolyPhen-2, Align-GVGD) all suggest that this variant is likely to be disruptive. In summary, the available evidence is currently insufficient to determine the role of this variant in disease. Therefore, it has been classified as a Variant of Uncertain Significance.

Natera, Inc.
Classification: Uncertain significance for Usher syndrome type 2A. Last evaluated: 2020-08-26. Review status: no assertion criteria provided. Collection method: clinical testing. Allele origin: germline. Not counted in ClinVar's aggregate classification.

NM_206933.4(USH2A):c.13586C>G (p.Pro4529Arg)

Gene: USH2A (usherin; minus strand). Cytogenetic location: 1q41.
Variant type: single nucleotide variant.
Coding change: c.13586C>G on transcript NM_206933.4 (MANE Select); coding-DNA position 13586, C replaced by G.
Protein change: p.Pro4529Arg; replaces proline 4529 with arginine.
Molecular consequence: missense variant.
Genome position (GRCh38, 1-based): chr1:215,674,325, G>C on the plus strand (C>G on the coding strand, the complement: USH2A is on the minus strand). VCF-style: chr1-215674325-G-C. GRCh37 (hg19) VCF-style: chr1-215847667-G-C.
Other names: short protein forms P4529R.
Identifiers: ClinVar variation 936812 (VCV000936812.5), dbSNP rs754560573, ClinGen allele CA1393260.